The following is an entry in ClinVar:

NM_006739.4(MCM5):c.1498G>T (p.Gly500Trp)

Gene: MCM5 (minichromosome maintenance complex component 5; plus strand). Cytogenetic location: 22q12.3.
Variant type: single nucleotide variant.
Coding change: c.1498G>T on transcript NM_006739.4 (MANE Select); coding-DNA position 1498, G replaced by T.
Protein change: p.Gly500Trp; replaces glycine 500 with tryptophan.
Molecular consequence: missense variant.
Genome position (GRCh38, 1-based): chr22:35,416,722, G>T. VCF-style: chr22-35416722-G-T. GRCh37 (hg19) VCF-style: chr22-35812715-G-T.
Other names: c.1498G>T (NM_006739.3); short protein forms G500W.
Identifiers: ClinVar variation 2200748 (VCV002200748.5), dbSNP rs753606587, ClinGen allele CA10205398.

ClinVar aggregate classification (germline): Uncertain significance. Review status: criteria provided, multiple submitters, no conflicts (2 of 4 stars). 2 submissions from 2 submitters: Uncertain significance (2). Last evaluated 2024-05-17.

gnomAD v4.1: 18 of 1,614,060 alleles (0.0011%); highest among the groups gnomAD compares: African/African-American, 0.0053%; no homozygotes.

Submissions (2):

Labcorp Genetics (formerly Invitae), Labcorp
Classification: Uncertain significance. Last evaluated: 2024-05-17. Review status: criteria provided, single submitter. Criteria: Invitae Variant Classification Sherloc (09022015). Collection method: clinical testing. Allele origin: germline.
Comment: This sequence change replaces glycine, which is neutral and non-polar, with tryptophan, which is neutral and slightly polar, at codon 500 of the MCM5 protein (p.Gly500Trp). This variant is present in population databases (rs753606587, gnomAD 0.002%). This variant has not been reported in the literature in individuals affected with MCM5-related conditions. ClinVar contains an entry for this variant (Variation ID: 2200748). Advanced modeling of protein sequence and biophysical properties (such as structural, functional, and spatial information, amino acid conservation, physicochemical variation, residue mobility, and thermodynamic stability) performed at Invitae indicates that this missense variant is expected to disrupt MCM5 protein function with a positive predictive value of 80%. In summary, the available evidence is currently insufficient to determine the role of this variant in disease. Therefore, it has been classified as a Variant of Uncertain Significance.

Ambry Genetics
Classification: Uncertain significance. Last evaluated: 2024-01-09. Review status: criteria provided, single submitter. Criteria: Ambry Variant Classification Scheme 2023. Collection method: clinical testing. Allele origin: germline.